The following is an entry in ClinVar:

ClinVar aggregate classification (germline): Uncertain significance (1 of 4 stars; one submission).

Conditions:
HNF1A-related disorder. Also called: HNF1A-related condition.

Allele frequency attached by ClinVar (database versions not stated): gnomAD exomes below 0.00001; ExAC 0.00002; TOPMed 0.00003.
gnomAD v4.1: 6 of 1,614,192 alleles (0.00037%); highest among the groups gnomAD compares: Non-Finnish European, 0.00051%; no homozygotes.

Submission:

PreventionGenetics, part of Exact Sciences
Classification: Uncertain significance for HNF1A-related condition. Last evaluated: 2023-01-31. Review status: criteria provided, single submitter. Criteria: ACMG Guidelines, 2015. Collection method: clinical testing. Allele origin: germline.
Comment: The HNF1A c.1042C>T variant is predicted to result in the amino acid substitution p.Leu348Phe. This variant has been described as having a gain-of-function and protective effect against type 2 diabetes but not against coronary artery disease in carriers (DeForest et al. 2022. DOI 10.1101/2022.03.29.22273133). However, a different variant impacting the same amino acid (p.Leu348Pro) has been documented in a patient with maturity-onset diabetes of the young (MODY) (Yorifuji et al. 2012. PubMed ID: 22060211). This variant is reported in 0.0018% of alleles in individuals of European (Non-Finnish) descent in gnomAD. At this time, the clinical significance of the c.1042C>T (p.Leu348Phe) variant is uncertain due to the absence of conclusive functional and genetic evidence.

NM_000545.8(HNF1A):c.1042C>T (p.Leu348Phe)

Gene: HNF1A (HNF1 homeobox A; plus strand). Cytogenetic location: 12q24.31.
Variant type: single nucleotide variant.
Coding change: c.1042C>T on transcript NM_000545.8 (MANE Select); coding-DNA position 1042, C replaced by T.
Protein change: p.Leu348Phe; replaces leucine 348 with phenylalanine.
Molecular consequence: missense variant.
Genome position (GRCh38, 1-based): chr12:120,996,348, C>T. VCF-style: chr12-120996348-C-T. GRCh37 (hg19) VCF-style: chr12-121434151-C-T.
Other names: c.1042C>T, p.Leu348Phe (NM_001306179.2, NM_001406915.1); short protein forms L348F.
Identifiers: ClinVar variation 2634375 (VCV002634375.1), dbSNP rs752884448, ClinGen allele CA6831912.
Genomic context (GRCh38, chr12:120,996,348, plus strand): 5'-AGTGAGACTGCAGAAGTACCCTCAAGCAGCGGCGGTCCCTTAGTGACAGTGTCTACACCC[C>T]TCCACCAAGTGTCCCCCACGGGCCTGGAGCCCAGCCACAGCCTGCTGAGTACAGAAGCCA-3'
Protein context (NP_000536.6, residues 338-358): GGPLVTVSTP[Leu348Phe]HQVSPTGLEP